The following is an entry in ClinVar:

ClinVar aggregate classification (germline): Uncertain significance (1 of 4 stars; one submission).

Conditions:
Early-infantile DEE. Also called: Early infantile epileptic encephalopathy; Early infantile epileptic encephalopathy with suppression bursts; Ohtahara syndrome. Identifiers: Orphanet 1934, MedGen C0393706, MONDO:0800491.

Submission:

Labcorp Genetics (formerly Invitae), Labcorp
Classification: Uncertain significance for Early-infantile DEE. Last evaluated: 2022-03-11. Review status: criteria provided, single submitter. Criteria: Invitae Variant Classification Sherloc (09022015). Collection method: clinical testing. Allele origin: germline.
Comment: This sequence change replaces leucine, which is neutral and non-polar, with proline, which is neutral and non-polar, at codon 814 of the KCNH5 protein (p.Leu814Pro). In summary, the available evidence is currently insufficient to determine the role of this variant in disease. Therefore, it has been classified as a Variant of Uncertain Significance. Algorithms developed to predict the effect of missense changes on protein structure and function are either unavailable or do not agree on the potential impact of this missense change (SIFT: "Tolerated"; PolyPhen-2: "Possibly Damaging"; Align-GVGD: "Class C0"). This variant has not been reported in the literature in individuals affected with KCNH5-related conditions. This variant is not present in population databases (gnomAD no frequency).

NM_139318.5(KCNH5):c.2441T>C (p.Leu814Pro)

Gene: KCNH5 (potassium voltage-gated channel subfamily H member 5; minus strand). Cytogenetic location: 14q23.2.
Variant type: single nucleotide variant.
Coding change: c.2441T>C on transcript NM_139318.5 (MANE Select); coding-DNA position 2441, T replaced by C.
Protein change: p.Leu814Pro; replaces leucine 814 with proline.
Molecular consequence: missense variant. On other transcripts: 3 prime UTR variant (1).
Genome position (GRCh38, 1-based): chr14:62,708,034, A>G on the plus strand (T>C on the coding strand, the complement: KCNH5 is on the minus strand). VCF-style: chr14-62708034-A-G. GRCh37 (hg19) VCF-style: chr14-63174752-A-G.
Other names: c.*408T>C (NM_172375.3); short protein forms L814P.
Identifiers: ClinVar variation 2109260 (VCV002109260.4), dbSNP rs2502653660, ClinGen allele CA390100604.